The following is an entry in ClinVar:

GRCh37/hg19 15q23(chr15:72662932-72670877)

Genes: HEXA (hexosaminidase subunit alpha; minus strand), HEXA-AS1 (HEXA antisense RNA 1; plus strand). Cytogenetic location: 15q23.
Variant type: copy number loss.
Identifiers: ClinVar variation 830311 (VCV000830311.2).

ClinVar aggregate classification (germline): Pathogenic (1 of 4 stars; one submission).

Conditions:
Tay-Sachs disease (TSD). Also called: GM2 gangliosidosis, type 1; Hexosaminidase alpha-subunit deficiency (variant B); Sphingolipidosis, Tay-Sachs; HEXA Disorders; HEXA DEFICIENCY; Hexosaminidase A Deficiency. Identifiers: Orphanet 845, MedGen C0039373, MONDO:0010100, OMIM 272800.

Submission:

Myriad Genetics, Inc.
Classification: Pathogenic for Tay-Sachs disease. Last evaluated: 2019-12-04. Review status: criteria provided, single submitter. Criteria: Myriad Women's Health Autosomal Recessive and X-Linked Classification Criteria (2019). Collection method: clinical testing. Allele origin: unknown.
Comment: 7.6kb del NM_000520.4(HEXA):c.-2564_253+5128delinsG is classified as pathogenic in the context of hexosaminidase A deficiency. Sources cited for classification include the following: PMID 3754980 and 2824459. Classification of 7.6kb del NM_000520.4(HEXA):c.-2564_253+5128delinsG is based on the following criteria: The variant is a large genomic, multi-exon, or single-exon deletion. This is a well-established pathogenic variant in the literature that has been observed more frequently in patients with clinical diagnoses than in healthy populations. Please note: this variant was assessed in the context of healthy population screening.

Literature cited by the submitters: PubMed 3754980; PubMed 2824459.